The following is an entry in ClinVar:

ClinVar aggregate classification (germline): Likely benign (1 of 4 stars; one submission).

Submission:

CeGaT Center for Human Genetics Tuebingen
Classification: Likely benign. Last evaluated: 2026-06-01. Review status: criteria provided, single submitter. Criteria: CeGaT Center For Human Genetics Tuebingen Variant Classification Criteria Version 2. Collection method: clinical testing. Allele origin: germline. Affected: yes. Observed: 1 variant allele.
Comment: TRIP4: PM2:Supporting, BP4, BP7

NM_016213.5(TRIP4):c.1023A>G (p.Ser341=)

Gene: TRIP4 (thyroid hormone receptor interactor 4; plus strand). Cytogenetic location: 15q22.31.
Variant type: single nucleotide variant.
Coding change: c.1023A>G on transcript NM_016213.5 (MANE Select); coding-DNA position 1023, A replaced by G.
Protein change: p.Ser341=; no amino-acid change (serine 341 retained).
Molecular consequence: synonymous variant. On other transcripts: non-coding transcript variant (1).
Genome position (GRCh38, 1-based): chr15:64,409,808, A>G. VCF-style: chr15-64409808-A-G. GRCh37 (hg19) VCF-style: chr15-64702007-A-G.
Other names: c.333A>G, p.Ser111= (NM_001321924.2).
Identifiers: ClinVar variation 4875188 (VCV004875188.2).